The following is an entry in ClinVar:

ClinVar aggregate classification (germline): Benign. Review status: criteria provided, multiple submitters, no conflicts (2 of 4 stars). 3 submissions from 2 submitters: Benign (3). Last evaluated 2018-01-13.

Conditions:
Alternating hemiplegia of childhood 1 (AHC1). Identifiers: Orphanet 2131, MedGen C3549447, MONDO:0007087, OMIM 104290.
Migraine, familial hemiplegic, 2. Identifiers: Orphanet 569, MedGen C1865322, MONDO:0011232, OMIM 602481.

Allele frequency attached by ClinVar (database versions not stated): 1000 Genomes Project 0.07668; 1000 Genomes Project 30x 0.08136; gnomAD exomes 0.10802; TOPMed 0.10964; gnomAD 0.12135 and 0.12407.
gnomAD v4.1: 18,697 of 154,568 alleles (12%); highest among the groups gnomAD compares: Non-Finnish European, 14%; 1,265 homozygotes.

Submissions (3):

Illumina Laboratory Services, Illumina
Classification: Benign for Migraine, familial hemiplegic, 2. Last evaluated: 2018-01-13. Review status: criteria provided, single submitter. Criteria: ICSL Variant Classification Criteria 13 December 2019. Collection method: clinical testing. Allele origin: germline.
Comment: This variant was observed in the ICSL laboratory as part of a predisposition screen in an ostensibly healthy population. It had not been previously curated by ICSL or reported in the Human Gene Mutation Database (HGMD: prior to June 1st, 2018), and was therefore a candidate for classification through an automated scoring system. Utilizing variant allele frequency, disease prevalence and penetrance estimates, and inheritance mode, an automated score was calculated to assess if this variant is too frequent to cause the disease. Based on the score and internal cut-off values, a variant classified as benign is not then subjected to further curation. The score for this variant resulted in a classification of benign for this disease.

Illumina Laboratory Services, Illumina
Classification: Benign for Alternating hemiplegia of childhood 1. Last evaluated: 2018-01-13. Review status: criteria provided, single submitter. Criteria: ICSL Variant Classification Criteria 13 December 2019. Collection method: clinical testing. Allele origin: germline.
Comment: the same text as in the submission from Illumina Laboratory Services, Illumina above.

Breakthrough Genomics
Classification: Benign. Review status: criteria provided, single submitter. Criteria: ACMG Guidelines, 2015. Collection method: not provided. Allele origin: germline. Inheritance: Autosomal recessive inheritance. Affected: yes.

NM_000702.4(ATP1A2):c.*686G>A

Gene: ATP1A2 (ATPase Na+/K+ transporting subunit alpha 2; plus strand). Cytogenetic location: 1q23.2.
Variant type: single nucleotide variant.
Coding change: c.*686G>A on transcript NM_000702.4 (MANE Select); 686 bases downstream of the stop codon, G replaced by A.
Molecular consequence: 3 prime UTR variant.
Genome position (GRCh38, 1-based): chr1:160,142,008, G>A. VCF-style: chr1-160142008-G-A. GRCh37 (hg19) VCF-style: chr1-160111798-G-A.
Identifiers: ClinVar variation 293151 (VCV000293151.6), dbSNP rs55843060, ClinGen allele CA10608416.
Genomic context (GRCh38, chr1:160,142,008, plus strand): 5'-CAAAGGAAGTGAGGTAGTGCCAATGACAGGACATTTGACATGAGTCTCCAGATAGATGTC[G>A]TGGACTCCAGCTCTACGTCCCACATTTTAGAATACCCCACCAGCAGAACAAACTCAGATC-3'